The following is an entry in ClinVar:

ClinVar aggregate classification (germline): Uncertain significance (1 of 4 stars; one submission).

Conditions:
Charcot-Marie-Tooth disease axonal type 2O. Also called: Charcot-Marie-Tooth disease, axonal, type 20; CHARCOT-MARIE-TOOTH NEUROPATHY, AXONAL, TYPE 2O; CHARCOT-MARIE-TOOTH DISEASE, AXONAL, AUTOSOMAL DOMINANT, TYPE 2O; Charcot-Marie-Tooth Neuropathy Type 2O. Identifiers: Orphanet 284232, MedGen C3280220, MONDO:0013644, OMIM 614228.

gnomAD v4.1: 7 of 1,614,200 alleles (0.00043%); highest among the groups gnomAD compares: South Asian, 0.0011%; no homozygotes.

Submission:

Labcorp Genetics (formerly Invitae), Labcorp
Classification: Uncertain significance for Charcot-Marie-Tooth disease axonal type 2O. Last evaluated: 2021-05-08. Review status: criteria provided, single submitter. Criteria: Invitae Variant Classification Sherloc (09022015). Collection method: clinical testing. Allele origin: germline.
Comment: In summary, the available evidence is currently insufficient to determine the role of this variant in disease. Therefore, it has been classified as a Variant of Uncertain Significance. Algorithms developed to predict the effect of missense changes on protein structure and function (SIFT, PolyPhen-2, Align-GVGD) all suggest that this variant is likely to be tolerated, but these predictions have not been confirmed by published functional studies and their clinical significance is uncertain. This variant has not been reported in the literature in individuals with DYNC1H1-related conditions. This variant is not present in population databases (ExAC no frequency). This sequence change replaces glutamine with histidine at codon 465 of the DYNC1H1 protein (p.Gln465His). The glutamine residue is moderately conserved and there is a small physicochemical difference between glutamine and histidine.

NM_001376.5(DYNC1H1):c.1395G>C (p.Gln465His)

Gene: DYNC1H1 (dynein cytoplasmic 1 heavy chain 1; plus strand). Cytogenetic location: 14q32.31.
Variant type: single nucleotide variant.
Coding change: c.1395G>C on transcript NM_001376.5 (MANE Select); coding-DNA position 1395, G replaced by C.
Protein change: p.Gln465His; replaces glutamine 465 with histidine.
Molecular consequence: missense variant.
Genome position (GRCh38, 1-based): chr14:101,983,543, G>C. VCF-style: chr14-101983543-G-C. GRCh37 (hg19) VCF-style: chr14-102449880-G-C.
Other names: short protein forms Q465H.
Identifiers: ClinVar variation 1010816 (VCV001010816.9), dbSNP rs747183743, ClinGen allele CA391015866.